The following is an entry in ClinVar:

ClinVar aggregate classification (germline): Uncertain significance (1 of 4 stars; one submission).

gnomAD v4.1: 1 of 1,204,568 alleles (0.000083%); highest among the groups gnomAD compares: Non-Finnish European, 0.00011%; no homozygotes.

Submission:

GeneDx
Classification: Uncertain significance. Last evaluated: 2026-02-18. Review status: criteria provided, single submitter. Criteria: GeneDx Variant Classification Process June 2021. Collection method: clinical testing. Allele origin: germline.
Comment: Not observed at significant frequency in large population cohorts (gnomAD); Missense variants in this gene are a common cause of disease and they are underrepresented in the general population; In silico analysis suggests that this missense variant does not alter protein structure/function; Has not been previously published as pathogenic or benign to our knowledge

NM_006306.4(SMC1A):c.382A>G (p.Ile128Val)

Gene: SMC1A (structural maintenance of chromosomes 1A; minus strand). Cytogenetic location: Xp11.22.
Variant type: single nucleotide variant.
Coding change: c.382A>G on transcript NM_006306.4 (MANE Select); coding-DNA position 382, A replaced by G.
Protein change: p.Ile128Val; replaces isoleucine 128 with valine.
Molecular consequence: missense variant.
Genome position (GRCh38, 1-based): chrX:53,414,787, T>C on the plus strand (A>G on the coding strand, the complement: SMC1A is on the minus strand). VCF-style: chrX-53414787-T-C. GRCh37 (hg19) VCF-style: chrX-53441736-T-C.
Other names: c.316A>G, p.Ile106Val (NM_001281463.1); short protein forms I106V, I128V.
Identifiers: ClinVar variation 4976383 (VCV004976383.1).